The following is an entry in ClinVar:

NM_002637.4(PHKA1):c.3250G>A (p.Gly1084Arg)

Gene: PHKA1 (phosphorylase kinase regulatory subunit alpha 1; minus strand). Cytogenetic location: Xq13.1.
Variant type: single nucleotide variant.
Coding change: c.3250G>A on transcript NM_002637.4 (MANE Select); coding-DNA position 3250, G replaced by A.
Protein change: p.Gly1084Arg; replaces glycine 1084 with arginine.
Molecular consequence: missense variant.
Genome position (GRCh38, 1-based): chrX:72,584,296, C>T on the plus strand (G>A on the coding strand, the complement: PHKA1 is on the minus strand). VCF-style: chrX-72584296-C-T. GRCh37 (hg19) VCF-style: chrX-71804146-C-T.
Other names: c.3211G>A, p.Gly1071Arg (NM_001122670.2); c.3034G>A, p.Gly1012Arg (NM_001172436.2); short protein forms G1071R, G1084R, G1012R.
Identifiers: ClinVar variation 807762 (VCV000807762.46), dbSNP rs1181595611, ClinGen allele CA413582483.

ClinVar aggregate classification (germline): Uncertain significance. Review status: criteria provided, multiple submitters, no conflicts (2 of 4 stars). 2 submissions from 2 submitters: Uncertain significance (2). Last evaluated 2022-09-17.

Conditions:
Glycogen storage disease IXd (GSD9D). Also called: GSD IXd; Muscle Phosphorylase Kinase Deficiency. Identifiers: Orphanet 715, MedGen C1845151, MONDO:0010362, OMIM 300559.

Allele frequency attached by ClinVar (database versions not stated): gnomAD exomes below 0.00001 and 0.00001; TOPMed below 0.00001; gnomAD 0.00001.
gnomAD v4.1: 5 of 1,204,435 alleles (0.00042%); highest among the groups gnomAD compares: South Asian, 0.0035%; no homozygotes.

Submissions (2):

Labcorp Genetics (formerly Invitae), Labcorp
Classification: Uncertain significance for Glycogen storage disease IXd. Last evaluated: 2022-09-17. Review status: criteria provided, single submitter. Criteria: Invitae Variant Classification Sherloc (09022015). Collection method: clinical testing. Allele origin: germline.
Comment: In summary, the available evidence is currently insufficient to determine the role of this variant in disease. Therefore, it has been classified as a Variant of Uncertain Significance. Algorithms developed to predict the effect of missense changes on protein structure and function are either unavailable or do not agree on the potential impact of this missense change (SIFT: "Deleterious"; PolyPhen-2: "Probably Damaging"; Align-GVGD: "Class C0"). ClinVar contains an entry for this variant (Variation ID: 807762). This variant has not been reported in the literature in individuals affected with PHKA1-related conditions. The frequency data for this variant in the population databases is considered unreliable, as metrics indicate poor data quality at this position in the gnomAD database. This sequence change replaces glycine, which is neutral and non-polar, with arginine, which is basic and polar, at codon 1084 of the PHKA1 protein (p.Gly1084Arg).

CeGaT Center for Human Genetics Tuebingen
Classification: Uncertain significance. Last evaluated: 2019-06-01. Review status: criteria provided, single submitter. Criteria: CeGaT Center For Human Genetics Tuebingen Variant Classification Criteria Version 2. Collection method: clinical testing. Allele origin: germline. Affected: yes. Observed: 1 variant allele.